The following is an entry in ClinVar:

ClinVar aggregate classification (germline): Uncertain significance (1 of 4 stars; one submission).

Conditions:
Sulfite oxidase deficiency due to molybdenum cofactor deficiency type C. Also called: Molybdenum cofactor deficiency, complementation group C; Molybdenum cofactor deficiency C. Identifiers: Orphanet 308400, Orphanet 833, MedGen C1854990, MONDO:0014212, OMIM 615501.

Submission:

Labcorp Genetics (formerly Invitae), Labcorp
Classification: Uncertain significance for Sulfite oxidase deficiency due to molybdenum cofactor deficiency type C. Last evaluated: 2022-11-22. Review status: criteria provided, single submitter. Criteria: Invitae Variant Classification Sherloc (09022015). Collection method: clinical testing. Allele origin: germline.
Comment: Variants that disrupt the consensus splice site are a relatively common cause of aberrant splicing (PMID: 17576681, 9536098). Algorithms developed to predict the effect of sequence changes on RNA splicing suggest that this variant is not likely to affect RNA splicing. ClinVar contains an entry for this variant (Variation ID: 1348746). This variant has not been reported in the literature in individuals affected with GPHN-related conditions. This variant is not present in population databases (gnomAD no frequency). This sequence change falls in intron 1 of the GPHN gene. It does not directly change the encoded amino acid sequence of the GPHN protein. It affects a nucleotide within the consensus splice site. In summary, the available evidence is currently insufficient to determine the role of this variant in disease. Therefore, it has been classified as a Variant of Uncertain Significance.

Literature cited by the submitters: PubMed 17576681; PubMed 9536098.

NM_020806.5(GPHN):c.64+6C>A

Gene: GPHN (gephyrin; plus strand). Cytogenetic location: 14q23.3.
Variant type: single nucleotide variant.
Coding change: c.64+6C>A on transcript NM_020806.5 (MANE Select); 6 bases into the intron after coding-DNA position 64, C replaced by A.
Molecular consequence: intron variant.
Genome position (GRCh38, 1-based): chr14:66,508,597, C>A. VCF-style: chr14-66508597-C-A. GRCh37 (hg19) VCF-style: chr14-66975315-C-A.
Other names: c.64+6C>A (NM_001377514.1, NM_001377519.1, NM_001377515.1 and 4 more transcripts).
Identifiers: ClinVar variation 1348746 (VCV001348746.6), dbSNP rs750672147, ClinGen allele CA2573150046.
Genomic context (GRCh38, chr14:66,508,597, plus strand): 5'-GAGGGAATGATCCTTACTAACCACGACCATCAAATCCGTGTCGGAGTCCTTACAGGTAAC[C>A]GGGGGAGGAGGTCTGGGACCTATGAGGCTGCTGTCCCTGCATTGCCTTAGGCTTTTCGCC-3'